The following is an entry in ClinVar:

ClinVar aggregate classification (germline): Uncertain significance (1 of 4 stars; one submission).

gnomAD v4.1: 18 of 1,614,170 alleles (0.0011%); highest among the groups gnomAD compares: African/African-American, 0.021%; no homozygotes.

Submission:

Labcorp Genetics (formerly Invitae), Labcorp
Classification: Uncertain significance. Last evaluated: 2025-02-18. Review status: criteria provided, single submitter. Criteria: Invitae Variant Classification Sherloc (09022015). Collection method: clinical testing. Allele origin: germline.
Comment: This sequence change replaces threonine, which is neutral and polar, with isoleucine, which is neutral and non-polar, at codon 386 of the PPM1D protein (p.Thr386Ile). This variant is present in population databases (rs375192740, gnomAD 0.02%). This variant has not been reported in the literature in individuals affected with PPM1D-related conditions. An algorithm developed to predict the effect of missense changes on protein structure and function (PolyPhen-2) suggests that this variant is likely to be tolerated. In summary, the available evidence is currently insufficient to determine the role of this variant in disease. Therefore, it has been classified as a Variant of Uncertain Significance.

NM_003620.4(PPM1D):c.1157C>T (p.Thr386Ile)

Gene: PPM1D (protein phosphatase, Mg2+/Mn2+ dependent 1D; plus strand). Cytogenetic location: 17q23.2.
Variant type: single nucleotide variant.
Coding change: c.1157C>T on transcript NM_003620.4 (MANE Select); coding-DNA position 1157, C replaced by T.
Protein change: p.Thr386Ile; replaces threonine 386 with isoleucine.
Molecular consequence: missense variant.
Genome position (GRCh38, 1-based): chr17:60,656,738, C>T. VCF-style: chr17-60656738-C-T. GRCh37 (hg19) VCF-style: chr17-58734099-C-T.
Other names: short protein forms T386I.
Identifiers: ClinVar variation 4810067 (VCV004810067.1).